The following is an entry in ClinVar:

NM_004744.5(LRAT):c.26T>C (p.Val9Ala)

Gene: LRAT (lecithin retinol acyltransferase; plus strand). Cytogenetic location: 4q32.1.
Variant type: single nucleotide variant.
Coding change: c.26T>C on transcript NM_004744.5 (MANE Select); coding-DNA position 26, T replaced by C.
Protein change: p.Val9Ala; replaces valine 9 with alanine.
Molecular consequence: missense variant.
Genome position (GRCh38, 1-based): chr4:154,744,352, T>C. VCF-style: chr4-154744352-T-C. GRCh37 (hg19) VCF-style: chr4-155665504-T-C.
Other names: c.26T>C, p.Val9Ala (NM_001301645.2); short protein forms V9A.
Identifiers: ClinVar variation 955383 (VCV000955383.7), dbSNP rs1732831177, ClinGen allele CA358629825.

ClinVar aggregate classification (germline): Uncertain significance (1 of 4 stars; one submission).

Submission:

Labcorp Genetics (formerly Invitae), Labcorp
Classification: Uncertain significance. Last evaluated: 2022-10-13. Review status: criteria provided, single submitter. Criteria: Invitae Variant Classification Sherloc (09022015). Collection method: clinical testing. Allele origin: germline.
Comment: This sequence change replaces valine, which is neutral and non-polar, with alanine, which is neutral and non-polar, at codon 9 of the LRAT protein (p.Val9Ala). This variant is not present in population databases (gnomAD no frequency). This variant has not been reported in the literature in individuals affected with LRAT-related conditions. ClinVar contains an entry for this variant (Variation ID: 955383). Algorithms developed to predict the effect of missense changes on protein structure and function output the following: SIFT: "Tolerated"; PolyPhen-2: "Benign"; Align-GVGD: "Class C0". The alanine amino acid residue is found in multiple mammalian species, which suggests that this missense change does not adversely affect protein function. In summary, the available evidence is currently insufficient to determine the role of this variant in disease. Therefore, it has been classified as a Variant of Uncertain Significance.